The following is an entry in ClinVar:

NM_000096.4(CP):c.1939T>C (p.Phe647Leu)

Gene: CP (ceruloplasmin; minus strand). Cytogenetic location: 3q24.
Variant type: single nucleotide variant.
Coding change: c.1939T>C on transcript NM_000096.4 (MANE Select); coding-DNA position 1939, T replaced by C.
Protein change: p.Phe647Leu; replaces phenylalanine 647 with leucine.
Molecular consequence: missense variant.
Genome position (GRCh38, 1-based): chr3:149,186,658, A>G on the plus strand (T>C on the coding strand, the complement: CP is on the minus strand). VCF-style: chr3-149186658-A-G. GRCh37 (hg19) VCF-style: chr3-148904445-A-G.
Other names: short protein forms F647L.
Identifiers: ClinVar variation 1448341 (VCV001448341.8), dbSNP rs755977561, ClinGen allele CA354932560.

ClinVar aggregate classification (germline): Uncertain significance (1 of 4 stars; one submission).

Conditions:
Deficiency of ferroxidase (ACEP). Also called: Deficiency of ceruloplasmin; NEURODEGENERATION WITH BRAIN IRON ACCUMULATION 10; Ceruloplasmin deficiency; Familial apoceruloplasmin deficiency; Hereditary ceruloplasmin deficiency; Aceruloplasminemia. Identifiers: Orphanet 48818, MedGen C0878682, MONDO:0011426, OMIM 604290, HP:0025498.

Submission:

Labcorp Genetics (formerly Invitae), Labcorp
Classification: Uncertain significance for Deficiency of ferroxidase. Last evaluated: 2022-08-15. Review status: criteria provided, single submitter. Criteria: Invitae Variant Classification Sherloc (09022015). Collection method: clinical testing. Allele origin: germline.
Comment: In summary, the available evidence is currently insufficient to determine the role of this variant in disease. Therefore, it has been classified as a Variant of Uncertain Significance. Advanced modeling of protein sequence and biophysical properties (such as structural, functional, and spatial information, amino acid conservation, physicochemical variation, residue mobility, and thermodynamic stability) performed at Invitae indicates that this missense variant is expected to disrupt CP protein function. ClinVar contains an entry for this variant (Variation ID: 1448341). This variant has not been reported in the literature in individuals affected with CP-related conditions. This variant is present in population databases (no rsID available, gnomAD 0.0009%). This sequence change replaces phenylalanine, which is neutral and non-polar, with leucine, which is neutral and non-polar, at codon 647 of the CP protein (p.Phe647Leu).